The following is an entry in ClinVar:

ClinVar aggregate classification (germline): Conflicting classifications of pathogenicity. Review status: criteria provided, conflicting classifications (1 of 4 stars). 4 submissions from 4 submitters: Uncertain significance (2); Likely benign (2). Last evaluated 2025-08-05.

Conditions:
Gastrointestinal stromal tumor. Also called: Gastrointestinal stroma tumor; Gastrointestinal stromal tumor, somatic. Identifiers: Orphanet 44890, MedGen C0238198, MeSH D046152, MONDO:0011719, OMIM 606764, HP:0100723.
Hereditary cancer-predisposing syndrome. Also called: Tumor predisposition; Neoplastic Syndromes, Hereditary; Hereditary Cancer Syndrome; Hereditary neoplastic syndrome. Identifiers: Orphanet 140162, MedGen C0027672, MeSH D009386, MONDO:0015356.

Allele frequency attached by ClinVar (database versions not stated): TOPMed below 0.00001.

Submissions (4):

Labcorp Genetics (formerly Invitae), Labcorp
Classification: Likely benign for Gastrointestinal stromal tumor. Last evaluated: 2025-08-05. Review status: criteria provided, single submitter. Criteria: Invitae Variant Classification Sherloc (09022015). Collection method: clinical testing. Allele origin: germline.

Ambry Genetics
Classification: Uncertain significance for Hereditary cancer-predisposing syndrome. Last evaluated: 2025-07-28. Review status: criteria provided, single submitter. Criteria: Ambry Variant Classification Scheme 2023. Collection method: clinical testing. Allele origin: germline.
Comment: The c.948C>T variant (also known as p.F316F), located in coding exon 6 of the KIT gene, results from a C to T substitution at nucleotide position 948. This nucleotide substitution does not change the amino acid at codon 316. This nucleotide position is not well conserved in available vertebrate species. In silico splice site analysis predicts that this alteration may result in the creation or strengthening of a novel splice acceptor site. Based on the available evidence, the clinical significance of this variant remains unclear.

GeneDx
Classification: Uncertain significance. Last evaluated: 2024-12-04. Review status: criteria provided, single submitter. Criteria: GeneDx Variant Classification Process June 2021. Collection method: clinical testing. Allele origin: germline. Affected: yes.
Comment: Not observed at significant frequency in large population cohorts (gnomAD); Has not been previously published as pathogenic or benign to our knowledge; In silico analysis suggests this variant may impact gene splicing. In the absence of RNA/functional studies, the actual effect of this sequence change is unknown

Blueprint Genetics
Classification: Likely benign. Last evaluated: 2020-05-27. Review status: criteria provided, single submitter. Criteria: ACMG Guidelines, 2015. Collection method: clinical testing. Allele origin: germline.

NM_000222.3(KIT):c.948C>T (p.Phe316=)

Gene: KIT (KIT proto-oncogene, receptor tyrosine kinase; plus strand). Cytogenetic location: 4q12.
Variant type: single nucleotide variant.
Coding change: c.948C>T on transcript NM_000222.3 (MANE Select); coding-DNA position 948, C replaced by T.
Protein change: p.Phe316=; no amino-acid change (phenylalanine 316 retained).
Molecular consequence: synonymous variant.
Genome position (GRCh38, 1-based): chr4:54,707,120, C>T. VCF-style: chr4-54707120-C-T. GRCh37 (hg19) VCF-style: chr4-55573286-C-T.
Other names: c.948C>T, p.Phe316= (NM_001093772.2, NM_001385285.1, NM_001385286.1); c.951C>T, p.Phe317= (NM_001385284.1, NM_001385288.1, NM_001385290.1 and 1 more transcripts).
Identifiers: ClinVar variation 787298 (VCV000787298.14), dbSNP rs1577967076, ClinGen allele CA439288578.